The following is an entry in ClinVar:

ClinVar aggregate classification (germline): Benign. Review status: criteria provided, multiple submitters, no conflicts (2 of 4 stars). 4 submissions from 4 submitters: Benign (3). 1 of the submissions does not count toward it. Last evaluated 2025-10-10.

Conditions:
KRT2-related disorder. Also called: KRT2-related condition.
Ichthyosis bullosa of Siemens (IBS). Also called: Superficial epidermolytic ichthyosis. Identifiers: Orphanet 455, MedGen C0432306, MONDO:0007813, OMIM 146800.

Allele frequency attached by ClinVar (database versions not stated): gnomAD exomes 0.00120; ExAC 0.00145; 1000 Genomes Project 30x 0.00328; 1000 Genomes Project 0.00339; gnomAD 0.00433 and 0.00472; TOPMed 0.00483; ESP Exome Variant Server 0.00492.
gnomAD v4.1: 1,361 of 1,612,632 alleles (0.084%); highest among the groups gnomAD compares: African/African-American, 1.6%; 16 homozygotes.

Submissions (5):

Labcorp Genetics (formerly Invitae), Labcorp
Classification: Benign. Last evaluated: 2025-10-10. Review status: criteria provided, single submitter. Criteria: Invitae Variant Classification Sherloc (09022015). Collection method: clinical testing. Allele origin: germline.

Illumina Laboratory Services, Illumina
Classification: Benign for Ichthyosis bullosa of Siemens. Last evaluated: 2018-01-12. Review status: criteria provided, single submitter. Criteria: ICSL Variant Classification Criteria 13 December 2019. Collection method: clinical testing. Allele origin: germline.
Comment: This variant was observed in the ICSL laboratory as part of a predisposition screen in an ostensibly healthy population. It had not been previously curated by ICSL or reported in the Human Gene Mutation Database (HGMD: prior to June 1st, 2018), and was therefore a candidate for classification through an automated scoring system. Utilizing variant allele frequency, disease prevalence and penetrance estimates, and inheritance mode, an automated score was calculated to assess if this variant is too frequent to cause the disease. Based on the score and internal cut-off values, a variant classified as benign is not then subjected to further curation. The score for this variant resulted in a classification of benign for this disease.

Breakthrough Genomics
Classification: Benign. Review status: criteria provided, single submitter. Criteria: ACMG Guidelines, 2015. Collection method: not provided. Allele origin: germline. Inheritance: Autosomal dominant inheritance. Affected: yes.

PreventionGenetics, part of Exact Sciences
Classification: Benign for KRT2-related condition. Last evaluated: 2024-08-11. Review status: no assertion criteria provided. Collection method: clinical testing. Allele origin: germline. Not counted in ClinVar's aggregate classification.
Comment: This variant is classified as benign based on ACMG/AMP sequence variant interpretation guidelines (Richards et al. 2015 PMID: 25741868, with internal and published modifications).

Dr. Peter K. Rogan Lab, Western University
No classification provided (evidence only). Condition: Familial cancer of breast. Review status: no classification provided. Collection method: in vitro. Allele origin: not applicable. Functional consequence: retained intron. Not counted in ClinVar's aggregate classification.

NM_000423.3(KRT2):c.1249-7G>T

Gene: KRT2 (keratin 2; minus strand). Cytogenetic location: 12q13.13.
Variant type: single nucleotide variant.
Coding change: c.1249-7G>T on transcript NM_000423.3 (MANE Select); 7 bases into the intron before coding-DNA position 1249, G replaced by T.
Molecular consequence: intron variant.
Genome position (GRCh38, 1-based): chr12:52,646,967, C>A on the plus strand (G>T on the coding strand, the complement: KRT2 is on the minus strand). VCF-style: chr12-52646967-C-A. GRCh37 (hg19) VCF-style: chr12-53040751-C-A.
Identifiers: ClinVar variation 309607 (VCV000309607.15), dbSNP rs2232556, ClinGen allele CA6585526.
Genomic context (GRCh38, chr12:52,646,967, plus strand): 5'-GGCATGCTCCCCACGCTGCTCGGCATCTGCGATGGCATCTTGCACATTCTTACACTATGA[C>A]AGAAGGACAGAGAATGGATTCTGCCTGACGGAGGCGGACAGAGAGCAGAGGTGTTCGAAG-3'